The following is an entry in ClinVar:

NM_006612.6(KIF1C):c.568G>A (p.Ala190Thr)

Gene: KIF1C (kinesin family member 1C; plus strand). Cytogenetic location: 17p13.2.
Variant type: single nucleotide variant.
Coding change: c.568G>A on transcript NM_006612.6 (MANE Select); coding-DNA position 568, G replaced by A.
Protein change: p.Ala190Thr; replaces alanine 190 with threonine.
Molecular consequence: missense variant.
Genome position (GRCh38, 1-based): chr17:5,002,602, G>A. VCF-style: chr17-5002602-G-A. GRCh37 (hg19) VCF-style: chr17-4905897-G-A.
Other names: short protein forms A190T.
Identifiers: ClinVar variation 1029055 (VCV001029055.7), dbSNP rs752855724, ClinGen allele CA8318598.

ClinVar aggregate classification (germline): Uncertain significance. Review status: criteria provided, multiple submitters, no conflicts (2 of 4 stars). 3 submissions from 3 submitters: Uncertain significance (3). Last evaluated 2024-10-01.

Conditions:
Inborn genetic diseases. Identifiers: MedGen C0950123, MeSH D030342.
Spastic ataxia 2. Also called: Ataxia, spastic, 2, autosomal recessive. Identifiers: Orphanet 397946, MedGen C1969796, MONDO:0012651, OMIM 611302.

Allele frequency attached by ClinVar (database versions not stated): gnomAD exomes 0.00003; ExAC 0.00004; gnomAD 0.00009 and 0.00010; TOPMed 0.00011.
gnomAD v4.1: 48 of 1,613,866 alleles (0.003%); highest among the groups gnomAD compares: Middle Eastern, 0.12%; no homozygotes.

Submissions (3):

Ambry Genetics
Classification: Uncertain significance for Inborn genetic diseases. Last evaluated: 2024-10-01. Review status: criteria provided, single submitter. Criteria: Ambry Variant Classification Scheme 2023. Collection method: clinical testing. Allele origin: germline.

Labcorp Genetics (formerly Invitae), Labcorp
Classification: Uncertain significance for Spastic ataxia 2. Last evaluated: 2022-07-13. Review status: criteria provided, single submitter. Criteria: Invitae Variant Classification Sherloc (09022015). Collection method: clinical testing. Allele origin: germline.
Comment: This sequence change replaces alanine, which is neutral and non-polar, with threonine, which is neutral and polar, at codon 190 of the KIF1C protein (p.Ala190Thr). This variant is present in population databases (rs752855724, gnomAD 0.02%). This variant has not been reported in the literature in individuals affected with KIF1C-related conditions. ClinVar contains an entry for this variant (Variation ID: 1029055). Algorithms developed to predict the effect of missense changes on protein structure and function output the following: SIFT: "Tolerated"; PolyPhen-2: "Benign"; Align-GVGD: "Class C0". The threonine amino acid residue is found in multiple mammalian species, which suggests that this missense change does not adversely affect protein function. In summary, the available evidence is currently insufficient to determine the role of this variant in disease. Therefore, it has been classified as a Variant of Uncertain Significance.

Baylor Genetics
Classification: Uncertain significance for Spastic ataxia 2. Last evaluated: 2020-05-19. Review status: criteria provided, single submitter. Criteria: ACMG Guidelines, 2015. Collection method: clinical testing. Allele origin: unknown. Affected: yes.
Comment: This variant was determined to be of uncertain significance according to ACMG Guidelines, 2015 [PMID:25741868].